The following is an entry in ClinVar:

ClinVar aggregate classification (germline): Uncertain significance (1 of 4 stars; one submission).

Conditions:
Brugada syndrome 8 (BRGDA8). Identifiers: Orphanet 130, MedGen C2751083, MONDO:0013148, OMIM 613123.

Submission:

Labcorp Genetics (formerly Invitae), Labcorp
Classification: Uncertain significance for Brugada syndrome 8. Last evaluated: 2026-01-11. Review status: criteria provided, single submitter. Criteria: Invitae Variant Classification Sherloc (09022015). Collection method: clinical testing. Allele origin: germline.
Comment: This sequence change replaces glycine, which is neutral and non-polar, with arginine, which is basic and polar, at codon 73 of the HCN4 protein (p.Gly73Arg). This variant is not present in population databases (gnomAD no frequency). This variant has not been reported in the literature in individuals affected with HCN4-related conditions. Invitae Evidence Modeling of protein sequence and biophysical properties (such as structural, functional, and spatial information, amino acid conservation, physicochemical variation, residue mobility, and thermodynamic stability) has been performed for this missense variant. However, the output from this modeling did not meet the statistical confidence thresholds required to predict the impact of this variant on HCN4 protein function. In summary, the available evidence is currently insufficient to determine the role of this variant in disease. Therefore, it has been classified as a Variant of Uncertain Significance.

NM_005477.3(HCN4):c.217G>C (p.Gly73Arg)

Gene: HCN4 (hyperpolarization activated cyclic nucleotide gated potassium channel 4; minus strand). Cytogenetic location: 15q24.1.
Variant type: single nucleotide variant.
Coding change: c.217G>C on transcript NM_005477.3 (MANE Select); coding-DNA position 217, G replaced by C.
Protein change: p.Gly73Arg; replaces glycine 73 with arginine.
Molecular consequence: missense variant.
Genome position (GRCh38, 1-based): chr15:73,368,054, C>G on the plus strand (G>C on the coding strand, the complement: HCN4 is on the minus strand). VCF-style: chr15-73368054-C-G. GRCh37 (hg19) VCF-style: chr15-73660395-C-G.
Other names: short protein forms G73R.
Identifiers: ClinVar variation 4706317 (VCV004706317.1).